The following is an entry in ClinVar:

ClinVar aggregate classification (germline): Uncertain significance (1 of 4 stars; one submission).

Conditions:
Hereditary spastic paraplegia 54. Also called: Spastic paraplegia 54, autosomal recessive. Identifiers: Orphanet 320380, MedGen C3539495, MONDO:0014018, OMIM 615033.

gnomAD v4.1: 1 of 1,613,264 alleles (0.000062%); no homozygotes.

Submission:

Labcorp Genetics (formerly Invitae), Labcorp
Classification: Uncertain significance for Hereditary spastic paraplegia 54. Last evaluated: 2023-05-02. Review status: criteria provided, single submitter. Criteria: Invitae Variant Classification Sherloc (09022015). Collection method: clinical testing. Allele origin: germline.
Comment: This sequence change replaces arginine, which is basic and polar, with leucine, which is neutral and non-polar, at codon 112 of the DDHD2 protein (p.Arg112Leu). This variant has not been reported in the literature in individuals affected with DDHD2-related conditions. This variant is present in population databases (no rsID available, gnomAD 0.003%). In summary, the available evidence is currently insufficient to determine the role of this variant in disease. Therefore, it has been classified as a Variant of Uncertain Significance. Advanced modeling of protein sequence and biophysical properties (such as structural, functional, and spatial information, amino acid conservation, physicochemical variation, residue mobility, and thermodynamic stability) performed at Invitae indicates that this missense variant is expected to disrupt DDHD2 protein function. ClinVar contains an entry for this variant (Variation ID: 2078184).

NM_015214.3(DDHD2):c.335G>T (p.Arg112Leu)

Gene: DDHD2 (DDHD domain containing 2; plus strand). Cytogenetic location: 8p11.23.
Variant type: single nucleotide variant.
Coding change: c.335G>T on transcript NM_015214.3 (MANE Select); coding-DNA position 335, G replaced by T.
Protein change: p.Arg112Leu; replaces arginine 112 with leucine.
Molecular consequence: missense variant. On other transcripts: non-coding transcript variant (2).
Genome position (GRCh38, 1-based): chr8:38,234,508, G>T. VCF-style: chr8-38234508-G-T. GRCh37 (hg19) VCF-style: chr8-38092026-G-T.
Other names: c.335G>T, p.Arg112Leu (NM_001164232.2, NM_001164234.2, NM_001362911.2 and 3 more transcripts); short protein forms R112L.
Identifiers: ClinVar variation 2078184 (VCV002078184.4), dbSNP rs781089161, ClinGen allele CA370712562.